The following is an entry in ClinVar:

NM_000256.3(MYBPC3):c.-10G>A

Gene: MYBPC3 (myosin binding protein C3; minus strand). Cytogenetic location: 11p11.2.
Variant type: single nucleotide variant.
Coding change: c.-10G>A on transcript NM_000256.3 (MANE Select); 10 bases upstream of the start codon, G replaced by A.
Molecular consequence: 5 prime UTR variant.
Genome position (GRCh38, 1-based): chr11:47,352,657, C>T on the plus strand (G>A on the coding strand, the complement: MYBPC3 is on the minus strand). VCF-style: chr11-47352657-C-T. GRCh37 (hg19) VCF-style: chr11-47374208-C-T.
Identifiers: ClinVar variation 228864 (VCV000228864.13), dbSNP rs567307744, ClinGen allele CA042752.

ClinVar aggregate classification (germline): Conflicting classifications of pathogenicity. Review status: criteria provided, conflicting classifications (1 of 4 stars). 5 submissions from 5 submitters: Uncertain significance (4); Likely benign (1). Last evaluated 2026-06-08.

Conditions:
MYBPC3-related disorder. Also called: MYBPC3-related condition; MYBPC3-related disease; MYBPC3-related disorders.
Cardiomyopathy (CMYO). Also called: Cardiomyopathies. Identifiers: Orphanet 167848, MedGen C0878544, MONDO:0004994, HP:0001638. Inheritance: Various modes of inheritance.

Allele frequency attached by ClinVar (database versions not stated): gnomAD exomes 0.00002 and 0.00003; ExAC 0.00003; gnomAD 0.00004; TOPMed 0.00005; 1000 Genomes Project 30x 0.00016; 1000 Genomes Project 0.00020.
gnomAD v4.1: 33 of 1,590,430 alleles (0.0021%); highest among the groups gnomAD compares: African/African-American, 0.018%; no homozygotes.

Submissions (5):

Women's Health and Genetics/Laboratory Corporation of America, LabCorp
Classification: Uncertain significance. Last evaluated: 2026-06-08. Review status: criteria provided, single submitter. Criteria: LabCorp Variant Classification Summary - May 2015. Collection method: clinical testing. Allele origin: germline.

PreventionGenetics, part of Exact Sciences
Classification: Likely benign for MYBPC3-related condition. Last evaluated: 2026-05-22. Review status: criteria provided, single submitter. Criteria: ACMG Guidelines, 2015. Collection method: clinical testing. Allele origin: germline.
Comment: This variant is classified as likely benign based on ACMG/AMP sequence variant interpretation guidelines (Richards et al. 2015 PMID: 25741868, with internal and published modifications).

Color Diagnostics, LLC DBA Color Health
Classification: Uncertain significance for Cardiomyopathy. Last evaluated: 2024-07-11. Review status: criteria provided, single submitter. Criteria: ACMG Guidelines, 2015. Collection method: clinical testing. Allele origin: germline.
Comment: This variant is located in the 5' untranslated region of the MYBPC3 gene. To our knowledge, functional studies have not been reported for this variant. This variant has not been reported in individuals affected with MYBPC3-related disorders in the literature. This variant has been identified in 6/226304 chromosomes in the general population by the Genome Aggregation Database (gnomAD). The available evidence is insufficient to determine the role of this variant in disease conclusively. Therefore, this variant is classified as a Variant of Uncertain Significance.

CHEO Genetics Diagnostic Laboratory, Children's Hospital of Eastern Ontario
Classification: Uncertain significance for Cardiomyopathy. Last evaluated: 2019-09-04. Review status: criteria provided, single submitter. Criteria: ACMG Guidelines, 2015. Collection method: clinical testing. Allele origin: germline.

Laboratory for Molecular Medicine, Mass General Brigham Personalized Medicine
Classification: Uncertain significance. Last evaluated: 2015-07-02. Review status: criteria provided, single submitter. Criteria: LMM Criteria. Collection method: clinical testing. Allele origin: germline. Observed: 1 variant allele.